The following is an entry in ClinVar:

ClinVar aggregate classification (germline): Uncertain significance (1 of 4 stars; one submission).

Conditions:
Epileptic encephalopathy. Identifiers: MedGen C0543888, HP:0200134.

Submission:

Labcorp Genetics (formerly Invitae), Labcorp
Classification: Uncertain significance for Epileptic encephalopathy. Last evaluated: 2025-08-29. Review status: criteria provided, single submitter. Criteria: Invitae Variant Classification Sherloc (09022015). Collection method: clinical testing. Allele origin: germline.
Comment: This sequence change falls in intron 2 of the FASN gene. It does not directly change the encoded amino acid sequence of the FASN protein. This variant is present in population databases (no rsID available, gnomAD 0.003%). This variant has not been reported in the literature in individuals affected with FASN-related conditions. ClinVar contains an entry for this variant (Variation ID: 3667041). Experimental studies and prediction algorithms are not available or were not evaluated, and the effect of this variant on mRNA splicing is currently unknown. In summary, the available evidence is currently insufficient to determine the role of this variant in disease. Therefore, it has been classified as a Variant of Uncertain Significance.

NM_004104.5(FASN):c.120_127+11dup

Gene: FASN (fatty acid synthase; minus strand). Cytogenetic location: 17q25.3.
Variant type: Duplication.
Coding change: c.120_127+11dup on transcript NM_004104.5 (MANE Select); coding-DNA position 120 through 11 bases into the intron after coding-DNA position 127, 19 bases duplicated (GAAGGCGGGTATGTGGCTG).
Molecular consequence: splice donor variant.
Genome position (GRCh38, 1-based): chr17:82,096,308-82,096,326, CAGCCACATACCCGCCTTC duplicated on the plus strand (GAAGGCGGGTATGTGGCTG on the coding strand, the reverse complement: FASN is on the minus strand); duplicating any 19 consecutive bases within chr17:82,096,308-82,096,330 gives the same sequence; the c. name uses the placement nearest the transcript's 3' end. VCF-style (leftmost placement, unchanged base first): chr17-82096307-G-GCAGCCACATACCCGCCTTC. GRCh37 (hg19) VCF-style: chr17-80054183-G-GCAGCCACATACCCGCCTTC.
Identifiers: ClinVar variation 3667041 (VCV003667041.2).